The following is an entry in ClinVar:

ClinVar aggregate classification (germline): Uncertain significance (1 of 4 stars; one submission).

Conditions:
Pyogenic arthritis-pyoderma gangrenosum-acne syndrome (PAPA). Also called: FAMILIAL RECURRENT ARTHRITIS; PAPA SYNDROME. Identifiers: Orphanet 69126, MedGen C1858361, MONDO:0011462, OMIM 604416.

Submission:

Labcorp Genetics (formerly Invitae), Labcorp
Classification: Uncertain significance for Pyogenic arthritis-pyoderma gangrenosum-acne syndrome. Last evaluated: 2025-07-13. Review status: criteria provided, single submitter. Criteria: Invitae Variant Classification Sherloc (09022015). Collection method: clinical testing. Allele origin: germline.
Comment: This sequence change replaces leucine, which is neutral and non-polar, with valine, which is neutral and non-polar, at codon 416 of the PSTPIP1 protein (p.Leu416Val). This variant is not present in population databases (gnomAD no frequency). This variant has not been reported in the literature in individuals affected with PSTPIP1-related conditions. An algorithm developed to predict the effect of missense changes on protein structure and function (PolyPhen-2) suggests that this variant is likely to be tolerated. Algorithms developed to predict the effect of sequence changes on RNA splicing suggest that this variant may create or strengthen a splice site. In summary, the available evidence is currently insufficient to determine the role of this variant in disease. Therefore, it has been classified as a Variant of Uncertain Significance.

NM_003978.5(PSTPIP1):c.1246C>G (p.Leu416Val)

Gene: PSTPIP1 (proline-serine-threonine phosphatase interacting protein 1; plus strand). Cytogenetic location: 15q24.3.
Variant type: single nucleotide variant.
Coding change: c.1246C>G on transcript NM_003978.5 (MANE Select); coding-DNA position 1246, C replaced by G.
Protein change: p.Leu416Val; replaces leucine 416 with valine.
Molecular consequence: missense variant. On other transcripts: non-coding transcript variant (1).
Genome position (GRCh38, 1-based): chr15:77,037,171, C>G. VCF-style: chr15-77037171-C-G. GRCh37 (hg19) VCF-style: chr15-77329512-C-G.
Other names: c.1189C>G, p.Leu397Val (NM_001321135.2); c.1219C>G, p.Leu407Val (NM_001321136.2); c.1441C>G, p.Leu481Val (NM_001321137.1); c.1237C>G, p.Leu413Val (NM_001411086.1); short protein forms L416V, L481V, L397V, L407V, L413V.
Identifiers: ClinVar variation 4723099 (VCV004723099.1).